The following is an entry in ClinVar:

ClinVar aggregate classification (germline): Benign (1 of 4 stars; one submission).

Conditions:
Congenital fibrosis of extraocular muscles type 1. Also called: CFEOM3B; BLEPHAROPTOSIS WITH ABSENT EYE MOVEMENTS; OPHTHALMOPLEGIA, CONGENITAL; FEOM1 LOCUS. Identifiers: MedGen C1851102, MONDO:0021083, OMIM 135700.

Allele frequency attached by ClinVar (database versions not stated): TOPMed 0.00006; gnomAD 0.00009; gnomAD exomes 0.00008 and 0.00010; ExAC 0.00010; ESP Exome Variant Server 0.00015; 1000 Genomes Project 30x 0.00016; 1000 Genomes Project 0.00020.

Submission:

Illumina Laboratory Services, Illumina
Classification: Benign for Congenital fibrosis of extraocular muscles type 1. Last evaluated: 2018-01-13. Review status: criteria provided, single submitter. Criteria: ICSL Variant Classification Criteria 13 December 2019. Collection method: clinical testing. Allele origin: germline.
Comment: This variant was observed in the ICSL laboratory as part of a predisposition screen in an ostensibly healthy population. It had not been previously curated by ICSL or reported in the Human Gene Mutation Database (HGMD: prior to June 1st, 2018), and was therefore a candidate for classification through an automated scoring system. Utilizing variant allele frequency, disease prevalence and penetrance estimates, and inheritance mode, an automated score was calculated to assess if this variant is too frequent to cause the disease. Based on the score and internal cut-off values, a variant classified as benign is not then subjected to further curation. The score for this variant resulted in a classification of benign for this disease.

NM_001173464.2(KIF21A):c.4562T>G (p.Met1521Arg)

Gene: KIF21A (kinesin family member 21A; minus strand). Cytogenetic location: 12q12.
Variant type: single nucleotide variant.
Coding change: c.4562T>G on transcript NM_001173464.2 (MANE Select); coding-DNA position 4562, T replaced by G.
Protein change: p.Met1521Arg; replaces methionine 1521 with arginine.
Molecular consequence: missense variant.
Genome position (GRCh38, 1-based): chr12:39,303,134, A>C on the plus strand (T>G on the coding strand, the complement: KIF21A is on the minus strand). VCF-style: chr12-39303134-A-C. GRCh37 (hg19) VCF-style: chr12-39696936-A-C.
Other names: c.4451T>G, p.Met1484Arg (NM_001173463.2); c.4403T>G, p.Met1468Arg (NM_001173465.2); c.4523T>G, p.Met1508Arg (NM_017641.4); short protein forms M1521R, M1508R, M1468R, M1484R.
Identifiers: ClinVar variation 308547 (VCV000308547.5), dbSNP rs142038295, ClinGen allele CA6510141.
Genomic context (GRCh38, chr12:39,303,134, plus strand): 5'-GGGGGTTCAAAATTGTGGGTGGGACTCACAGTCCCAAGAGCTCCTTCTGTAACATCAAAC[A>C]TCTAAAAAGGTAGAAACAAAGCAGTTATCCTATTTAACTTGCAAATAAACACCAATATTT-3'
Protein context (NP_001166935.1, residues 1511-1531): ITGSKDHYIK[Met1521Arg]FDVTEGALGT